The following is an entry in ClinVar:

NM_033026.6(PCLO):c.6202C>T (p.Leu2068Phe)

Gene: PCLO (piccolo presynaptic cytomatrix protein; minus strand). Cytogenetic location: 7q21.11.
Variant type: single nucleotide variant.
Coding change: c.6202C>T on transcript NM_033026.6 (MANE Select); coding-DNA position 6202, C replaced by T.
Protein change: p.Leu2068Phe; replaces leucine 2068 with phenylalanine.
Molecular consequence: missense variant.
Genome position (GRCh38, 1-based): chr7:82,954,751, G>A on the plus strand (C>T on the coding strand, the complement: PCLO is on the minus strand). VCF-style: chr7-82954751-G-A. GRCh37 (hg19) VCF-style: chr7-82584067-G-A.
Other names: c.6202C>T (NM_033026.5); c.6202C>T, p.Leu2068Phe (NM_014510.3); short protein forms L2068F.
Identifiers: ClinVar variation 1430879 (VCV001430879.5), dbSNP rs747932590, ClinGen allele CA4320516.

ClinVar aggregate classification (germline): Uncertain significance. Review status: criteria provided, multiple submitters, no conflicts (2 of 4 stars). 2 submissions from 2 submitters: Uncertain significance (2). Last evaluated 2025-08-30.

Conditions:
Inborn genetic diseases. Identifiers: MedGen C0950123, MeSH D030342.

Allele frequency attached by ClinVar (database versions not stated): gnomAD exomes below 0.00001; ExAC 0.00001; gnomAD 0.00001 and 0.00002; TOPMed 0.00002.
gnomAD v4.1: 6 of 1,613,710 alleles (0.00037%); highest among the groups gnomAD compares: African/African-American, 0.0053%; no homozygotes.

Submissions (2):

Ambry Genetics
Classification: Uncertain significance for Inborn genetic diseases. Last evaluated: 2025-08-30. Review status: criteria provided, single submitter. Criteria: Ambry Variant Classification Scheme 2023. Collection method: clinical testing. Allele origin: germline.

Labcorp Genetics (formerly Invitae), Labcorp
Classification: Uncertain significance. Last evaluated: 2022-09-27. Review status: criteria provided, single submitter. Criteria: Invitae Variant Classification Sherloc (09022015). Collection method: clinical testing. Allele origin: germline.
Comment: This sequence change replaces leucine, which is neutral and non-polar, with phenylalanine, which is neutral and non-polar, at codon 2068 of the PCLO protein (p.Leu2068Phe). This variant is present in population databases (rs747932590, gnomAD 0.008%). This variant has not been reported in the literature in individuals affected with PCLO-related conditions. ClinVar contains an entry for this variant (Variation ID: 1430879). Algorithms developed to predict the effect of missense changes on protein structure and function are either unavailable or do not agree on the potential impact of this missense change (SIFT: "Deleterious"; PolyPhen-2: "Not Available"; Align-GVGD: "Class C0"). In summary, the available evidence is currently insufficient to determine the role of this variant in disease. Therefore, it has been classified as a Variant of Uncertain Significance.